The following is an entry in ClinVar:

NM_000051.4(ATM):c.1391_1395del (p.Leu464fs)

Gene: ATM (ATM serine/threonine kinase; plus strand). Cytogenetic location: 11q22.3.
Variant type: Deletion.
Coding change: c.1391_1395del on transcript NM_000051.4 (MANE Select); coding-DNA positions 1391 to 1395, 5 bases deleted (TGTGT; older notation c.1391_1395delTGTGT).
Protein change: p.Leu464fs; shifts the reading frame from leucine 464.
Molecular consequence: frameshift variant.
Genome position (GRCh38, 1-based): chr11:108,250,856-108,250,860, TGTGT deleted; deleting any 5 consecutive bases within chr11:108,250,855-108,250,860 gives the same sequence; the c. name uses the placement nearest the transcript's 3' end. VCF-style (leftmost placement, unchanged base first): chr11-108250854-ATTGTG-A. GRCh37 (hg19) VCF-style: chr11-108121581-ATTGTG-A.
Other names: c.1391_1395del, p.Leu464fs (NM_001351834.2); short protein forms L464fs.
Identifiers: ClinVar variation 943164 (VCV000943164.8), dbSNP rs2080103035, ClinGen allele CA942013274.

ClinVar aggregate classification (germline): Pathogenic. Review status: criteria provided, multiple submitters, no conflicts (2 of 4 stars). 2 submissions from 2 submitters: Pathogenic (2). Last evaluated 2024-01-16.

Conditions:
Familial cancer of breast. Also called: BREAST CANCER, FAMILIAL; Hereditary breast cancer; hereditary breast carcinoma. Identifiers: Orphanet 227535, MedGen C0346153, MONDO:0016419, OMIM 114480. Disease mechanism: loss of function.
Ataxia-telangiectasia syndrome (AT). Also called: Ataxia-telangiectasia, complementation group E; Ataxia telangiectasia (A-T); LOUIS-BAR SYNDROME; ATAXIA-TELANGIECTASIA, FRESNO VARIANT; AT, COMPLEMENTATION GROUP C; Ataxia-telangiectasia. Identifiers: Orphanet 100, MedGen C0004135, MONDO:0008840, OMIM 208900.

Submissions (2):

Myriad Genetics, Inc.
Classification: Pathogenic for Familial cancer of breast. Last evaluated: 2024-01-16. Review status: criteria provided, single submitter. Criteria: Myriad Autosomal Dominant, Autosomal Recessive and X-Linked Classification Criteria (2023). Collection method: clinical testing. Allele origin: unknown.
Comment: This variant is considered pathogenic. This variant creates a frameshift predicted to result in premature protein truncation.

Labcorp Genetics (formerly Invitae), Labcorp
Classification: Pathogenic for Ataxia-telangiectasia syndrome. Last evaluated: 2019-07-08. Review status: criteria provided, single submitter. Criteria: Invitae Variant Classification Sherloc (09022015). Collection method: clinical testing. Allele origin: germline.
Comment: For these reasons, this variant has been classified as Pathogenic. Loss-of-function variants in ATM are known to be pathogenic (PMID: 23807571, 25614872). This variant has not been reported in the literature in individuals with ATM-related conditions. This variant is not present in population databases (ExAC no frequency). This sequence change creates a premature translational stop signal (p.Leu464Serfs*21) in the ATM gene. It is expected to result in an absent or disrupted protein product.

Literature cited by the submitters: PubMed 23807571 (cited by Labcorp Genetics (formerly Invitae), Labcorp); PubMed 25614872 (cited by Labcorp Genetics (formerly Invitae), Labcorp).